The following is an entry in ClinVar:

ClinVar aggregate classification (germline): Pathogenic/Likely pathogenic. Review status: criteria provided, multiple submitters, no conflicts (2 of 4 stars). 4 submissions from 4 submitters: Pathogenic (2); Likely pathogenic (1). 1 of the submissions does not count toward it. Last evaluated 2026-07-27.

Conditions:
Monogenic hearing loss.
Waardenburg syndrome type 1 (WS1). Also called: Waardenburg Syndrome Type I; WAARDENBURG SYNDROME WITH DYSTOPIA CANTHORUM. Identifiers: Orphanet 894, MedGen C1847800, MONDO:0008670, OMIM 193500.

Allele frequency attached by ClinVar (database versions not stated): gnomAD exomes below 0.00001.
gnomAD v4.1: 1 of 1,614,170 alleles (0.000062%); highest among the groups gnomAD compares: Non-Finnish European, 0.000085%; no homozygotes.

Submissions (4):

GeneDx
Classification: Likely pathogenic. Last evaluated: 2026-07-27. Review status: criteria provided, single submitter. Criteria: GeneDx Variant Classification Process June 2021. Collection method: clinical testing. Allele origin: germline.
Comment: Published functional studies suggest that this variant results in abnormal protein function (PMID: 18325909); In silico analysis supports that this missense variant has a deleterious effect on protein structure/function; Not observed at significant frequency in large population cohorts (gnomAD); Variant is also known as G48A G48A; This variant is associated with the following publications: (PMID: 7573125, 20643146, 9302254, 9192262, 8589691, 8533800, 9654197, 18325909, 8490648)

Genetics Laboratory, Great Ormond Street Hospital NHS Foundation Trust, North Thames Genomic Laboratory Hub
Classification: Pathogenic for Monogenic hearing loss. Last evaluated: 2026-05-28. Review status: criteria provided, single submitter. Criteria: ACGS Best Practice Guidelines for Variant Classification in Rare Disease 2024 v1.2. Collection method: clinical testing. Allele origin: germline. Affected: yes.
Comment: PS4_moderate, PM2_moderate, PP3_supporting, PP1_strong, PP4_supporting

Labcorp Genetics (formerly Invitae), Labcorp
Classification: Pathogenic. Last evaluated: 2023-07-18. Review status: criteria provided, single submitter. Criteria: Invitae Variant Classification Sherloc (09022015). Collection method: clinical testing. Allele origin: germline.
Comment: This sequence change replaces glycine, which is neutral and non-polar, with alanine, which is neutral and non-polar, at codon 81 of the PAX3 protein (p.Gly81Ala). This variant is not present in population databases (gnomAD no frequency). This missense change has been observed in individual(s) with autosomal dominant Waardenburg syndrome (PMID: 8490648). It has also been observed to segregate with disease in related individuals. This variant is also known as G48A. ClinVar contains an entry for this variant (Variation ID: 4210). Advanced modeling of protein sequence and biophysical properties (such as structural, functional, and spatial information, amino acid conservation, physicochemical variation, residue mobility, and thermodynamic stability) performed at Invitae indicates that this missense variant is expected to disrupt PAX3 protein function. Experimental studies have shown that this missense change does not substantially affect PAX3 function (PMID: 9302254). For these reasons, this variant has been classified as Pathogenic.

OMIM
Classification: Pathogenic for WAARDENBURG SYNDROME, TYPE 1. Last evaluated: 1995-11-01. Review status: no assertion criteria provided. Collection method: literature only. Allele origin: germline. Not counted in ClinVar's aggregate classification.

Literature cited by the submitters: PubMed 8490648 (cited by Labcorp Genetics (formerly Invitae), Labcorp and OMIM); PubMed 9302254 (cited by Labcorp Genetics (formerly Invitae), Labcorp); PubMed 8447316 (cited by OMIM); PubMed 8589691 (cited by OMIM); PubMed 7573125 (cited by OMIM).

NM_181457.3(PAX3):c.242G>C (p.Gly81Ala)

Gene: PAX3 (paired box 3; minus strand). Cytogenetic location: 2q36.1.
Variant type: single nucleotide variant.
Coding change: c.242G>C on transcript NM_181457.3; coding-DNA position 242, G replaced by C.
Protein change: p.Gly81Ala; replaces glycine 81 with alanine.
Molecular consequence: missense variant (on NM_181458.4).
Genome position (GRCh38, 1-based): chr2:222,297,057, C>G on the plus strand (G>C on the coding strand, the complement: PAX3 is on the minus strand). VCF-style: chr2-222297057-C-G. GRCh37 (hg19) VCF-style: chr2-223161776-C-G.
Other names: c.242G>C, p.Gly81Ala (NM_000438.6, NM_001127366.3, NM_013942.5 and 5 more transcripts); short protein forms G81A.
Identifiers: ClinVar variation 4210 (VCV000004210.9), dbSNP rs587776586, ClinGen allele CA253049.